The following is an entry in ClinVar:

ClinVar aggregate classification (germline): Uncertain significance. Review status: criteria provided, multiple submitters, no conflicts (2 of 4 stars). 2 submissions from 2 submitters: Uncertain significance (2). Last evaluated 2026-04-01.

Conditions:
Congenital anomaly of kidney and urinary tract. Also called: Congenital anomalies of kidney and urinary tract; Congenital anomalies of the kidney and urinary tract. Identifiers: Orphanet 93545, MedGen C1968949, MeSH C566906, MONDO:0019719.
Congenital heart disease (CHD). Identifiers: MedGen C0152021, MONDO:0005453. Disease mechanism: unknown.

Allele frequency attached by ClinVar (database versions not stated): TOPMed 0.00002; gnomAD exomes 0.00001; gnomAD 0.00001.
gnomAD v4.1: 13 of 1,589,992 alleles (0.00082%); highest among the groups gnomAD compares: South Asian, 0.0057%; no homozygotes.

Submissions (2):

Institute Of Molecular Biology And Genetics, Federal Almazov National Medical Research Centre
Classification: Uncertain significance for Congenital heart disease; Congenital anomaly of kidney and urinary tract. Last evaluated: 2026-04-01. Review status: criteria provided, single submitter. Criteria: ACMG Guidelines, 2015. Collection method: clinical testing. Allele origin: germline. Affected: yes. Observed: 1 variant allele.
Comment: The missense variant NM_080473.5:c.833G>A replaces arginine (polar, positively charged) with glutamine (polar, charge-neutral) at codon 278 of the GATA5 protein (p.Arg278Gln). It has a low allele frequency in gnomAD (ƒ =0.000008176, GnomAD v4.1.0) (PM2), and multiple lines of computational evidence suggest the c.833G>A variant as a deleterious one (PP3).The available evidence is currently insufficient to determine the role of this variant in disease, therefore, it has been classified as a Variant of Uncertain Significance.

Labcorp Genetics (formerly Invitae), Labcorp
Classification: Uncertain significance. Last evaluated: 2021-11-19. Review status: criteria provided, single submitter. Criteria: Invitae Variant Classification Sherloc (09022015). Collection method: clinical testing. Allele origin: germline.
Comment: This variant has not been reported in the literature in individuals affected with GATA5-related conditions. The frequency data for this variant in the population databases is considered unreliable, as metrics indicate poor data quality at this position in the gnomAD database. This sequence change replaces arginine, which is basic and polar, with glutamine, which is neutral and polar, at codon 278 of the GATA5 protein (p.Arg278Gln). Algorithms developed to predict the effect of missense changes on protein structure and function (SIFT, PolyPhen-2, Align-GVGD) all suggest that this variant is likely to be disruptive. In summary, the available evidence is currently insufficient to determine the role of this variant in disease. Therefore, it has been classified as a Variant of Uncertain Significance.

NM_080473.5(GATA5):c.833G>A (p.Arg278Gln)

Gene: GATA5 (GATA binding protein 5; minus strand). Cytogenetic location: 20q13.33.
Variant type: single nucleotide variant.
Coding change: c.833G>A on transcript NM_080473.5 (MANE Select); coding-DNA position 833, G replaced by A.
Protein change: p.Arg278Gln; replaces arginine 278 with glutamine.
Molecular consequence: missense variant.
Genome position (GRCh38, 1-based): chr20:62,465,914, C>T on the plus strand (G>A on the coding strand, the complement: GATA5 is on the minus strand). VCF-style: chr20-62465914-C-T. GRCh37 (hg19) VCF-style: chr20-61040970-C-T.
Other names: p.Arg278Gln; short protein forms R278Q.
Identifiers: ClinVar variation 1520807 (VCV001520807.7), dbSNP rs1259806979, ClinGen allele CA409553577.